The following is an entry in ClinVar:

NM_004369.4(COL6A3):c.7808G>C (p.Arg2603Thr)

Gene: COL6A3 (collagen type VI alpha 3 chain; minus strand). Cytogenetic location: 2q37.3.
Variant type: single nucleotide variant.
Coding change: c.7808G>C on transcript NM_004369.4 (MANE Select); coding-DNA position 7808, G replaced by C.
Protein change: p.Arg2603Thr; replaces arginine 2603 with threonine.
Molecular consequence: missense variant.
Genome position (GRCh38, 1-based): chr2:237,341,108, C>G on the plus strand (G>C on the coding strand, the complement: COL6A3 is on the minus strand). VCF-style: chr2-237341108-C-G. GRCh37 (hg19) VCF-style: chr2-238249751-C-G.
Other names: c.5987G>C, p.Arg1996Thr (NM_057166.5); c.7190G>C, p.Arg2397Thr (NM_057167.4); short protein forms R1996T, R2397T, R2603T.
Identifiers: ClinVar variation 2707386 (VCV002707386.3), dbSNP rs150554876, ClinGen allele CA351197991.

ClinVar aggregate classification (germline): Uncertain significance (1 of 4 stars; one submission).

Conditions:
Bethlem myopathy 1A. Also called: MYOPATHY, BENIGN CONGENITAL, WITH CONTRACTURES; Bethlem myopathy 1; Bethlem Muscular Dystrophy. Identifiers: Orphanet 610, MedGen CN029274, MONDO:0024530, OMIM 158810.

Submission:

Labcorp Genetics (formerly Invitae), Labcorp
Classification: Uncertain significance for Bethlem myopathy 1A. Last evaluated: 2024-01-16. Review status: criteria provided, single submitter. Criteria: Invitae Variant Classification Sherloc (09022015). Collection method: clinical testing. Allele origin: germline.
Comment: This sequence change replaces arginine, which is basic and polar, with threonine, which is neutral and polar, at codon 2603 of the COL6A3 protein (p.Arg2603Thr). This variant is not present in population databases (gnomAD no frequency). This variant has not been reported in the literature in individuals affected with COL6A3-related conditions. Advanced modeling of protein sequence and biophysical properties (such as structural, functional, and spatial information, amino acid conservation, physicochemical variation, residue mobility, and thermodynamic stability) performed at Invitae indicates that this missense variant is not expected to disrupt COL6A3 protein function with a negative predictive value of 80%. In summary, the available evidence is currently insufficient to determine the role of this variant in disease. Therefore, it has been classified as a Variant of Uncertain Significance.